The following is an entry in ClinVar:

NM_182961.4(SYNE1):c.17980_17988del (p.Arg5994_Pro5996del)

Gene: SYNE1 (spectrin repeat containing nuclear envelope protein 1; minus strand). Cytogenetic location: 6q25.2.
Variant type: Deletion.
Coding change: c.17980_17988del on transcript NM_182961.4 (MANE Select); coding-DNA positions 17980 to 17988, 9 bases deleted (AGGAGTCCA; older notation c.17980_17988delAGGAGTCCA).
Protein change: p.Arg5994_Pro5996del.
Molecular consequence: inframe deletion.
Genome position (GRCh38, 1-based): chr6:152,293,612-152,293,620, TGGACTCCT deleted on the plus strand (AGGAGTCCA on the coding strand, the reverse complement: SYNE1 is on the minus strand). VCF-style (leftmost placement, unchanged base first): chr6-152293611-CTGGACTCCT-C. GRCh37 (hg19) VCF-style: chr6-152614746-CTGGACTCCT-C.
Other names: c.17767_17775del, p.Arg5923_Pro5925del (NM_033071.5).
Identifiers: ClinVar variation 938747 (VCV000938747.9), dbSNP rs2094716921, ClinGen allele CA1095929788.

ClinVar aggregate classification (germline): Uncertain significance (1 of 4 stars; one submission).

Conditions:
Emery-Dreifuss muscular dystrophy 4, autosomal dominant (EDMD4). Also called: EMERY-DREIFUSS MUSCULAR DYSTROPHY 4 WITH VARIABLE FEATURES. Identifiers: Orphanet 261, MedGen C2751807, MONDO:0013071, OMIM 612998.
Autosomal recessive ataxia, Beauce type. Also called: Spinocerebellar ataxia, autosomal recessive 8; ATAXIA, RECESSIVE, OF BEAUCE; SYNE1-Related Autosomal Recessive Cerebellar Ataxia; SYNE1 Deficiency. Identifiers: Orphanet 88644, MedGen C1853116, MONDO:0012549, OMIM 610743.

Allele frequency attached by ClinVar (database versions not stated): gnomAD exomes below 0.00001; gnomAD 0.00001.

Submission:

Labcorp Genetics (formerly Invitae), Labcorp
Classification: Uncertain significance for Emery-Dreifuss muscular dystrophy 4, autosomal dominant; Autosomal recessive ataxia, Beauce type. Last evaluated: 2022-11-08. Review status: criteria provided, single submitter. Criteria: Invitae Variant Classification Sherloc (09022015). Collection method: clinical testing. Allele origin: germline.
Comment: In summary, the available evidence is currently insufficient to determine the role of this variant in disease. Therefore, it has been classified as a Variant of Uncertain Significance. Experimental studies and prediction algorithms are not available or were not evaluated, and the functional significance of this variant is currently unknown. ClinVar contains an entry for this variant (Variation ID: 938747). This variant has not been reported in the literature in individuals affected with SYNE1-related conditions. This variant is not present in population databases (gnomAD no frequency). This variant, c.17767_17775del, results in the deletion of 3 amino acid(s) of the SYNE1 protein (p.Arg5923_Pro5925del), but otherwise preserves the integrity of the reading frame.